The following is an entry in ClinVar:

NM_005609.4(PYGM):c.1527_1530delinsTGA (p.Asp511fs)

Gene: PYGM (glycogen phosphorylase, muscle associated; minus strand). Cytogenetic location: 11q13.1.
Variant type: Indel.
Coding change: c.1527_1530delinsTGA on transcript NM_005609.4 (MANE Select); coding-DNA positions 1527 to 1530, GGAG replaced by TGA.
Protein change: p.Asp511fs; shifts the reading frame from aspartic acid 511.
Molecular consequence: frameshift variant.
Genome position (GRCh38, 1-based): chr11:64,752,493-64,752,496, CTCC replaced by TCA on the plus strand (GGAG replaced by TGA on the coding strand, the reverse complement: PYGM is on the minus strand). VCF-style: chr11-64752493-CTCC-TCA. GRCh37 (hg19) VCF-style: chr11-64519965-CTCC-TCA.
Other names: c.1263_1266delinsTGA, p.Asp423fs (NM_001164716.1); c.1527_1530delGGAGinsTGA (NM_005609.3); short protein forms D423fs, D511fs.
Identifiers: ClinVar variation 370590 (VCV000370590.5), dbSNP rs1057516612, ClinGen allele CA16041500.
Genomic context (GRCh38, chr11:64,752,493, plus strand): 5'-AGCTTCATCATCCACAAAGGAGAGCAGTTTGCGCAGCTGGTCCAGGTCAGAGATGAAGTC[CTCC>TCA]CCGATGCGCTATGGGAAGACGGCTCTCAGCCAAGCCCATCCCCATGTCCTCCCTCCTCCC-3'

ClinVar aggregate classification (germline): Likely pathogenic. Review status: criteria provided, multiple submitters, no conflicts (2 of 4 stars). 3 submissions from 3 submitters: Likely pathogenic (2). 1 of the submissions does not count toward it. Last evaluated 2024-08-09.

Conditions:
Glycogen storage disease, type V (GSD5). Also called: PYGM DEFICIENCY; McArdle type glycogen storage disease; MYOPHOSPHORYLASE DEFICIENCY; MCARDLE DISEASE; MUSCLE GLYCOGEN PHOSPHORYLASE DEFICIENCY. Identifiers: Orphanet 368, MedGen C0017924, MONDO:0009293, OMIM 232600.

Submissions (3):

Natera, Inc.
Classification: Likely pathogenic for Glycogen storage disease V. Last evaluated: 2024-08-09. Review status: criteria provided, single submitter. Criteria: Natera Variant Classification Schema (03/2026). Collection method: clinical testing. Allele origin: germline.
Comment: The c.1527_1530delGGAGinsTGA variant in PYGM is a frameshift variant predicted to shift the reading frame beginning at codon 511 and leads to a stop codon 28 codons downstream. This variant is expected to result in nonsense mediated decay, truncation, or a dysfunctional protein product. This variant is rare in the general population with a frequency below the threshold expected for the associated phenotype(s). Given the available evidence, this variant is classified as Likely Pathogenic.

Baylor Genetics
Classification: Likely pathogenic for Glycogen storage disease, type V. Last evaluated: 2024-03-07. Review status: criteria provided, single submitter. Criteria: ACMG Guidelines, 2015. Collection method: clinical testing. Allele origin: unknown.

Counsyl
Classification: Likely pathogenic for Glycogen storage disease, type V. Last evaluated: 2016-03-03. Review status: no assertion criteria provided. Collection method: clinical testing. Allele origin: unknown. Not counted in ClinVar's aggregate classification.

Literature cited by the submitters: PubMed 7951211 (cited by Counsyl); PubMed 25045239 (cited by Counsyl).